The following is an entry in ClinVar:

ClinVar aggregate classification (germline): Pathogenic/Likely pathogenic. Review status: criteria provided, multiple submitters, no conflicts (2 of 4 stars). 3 submissions from 3 submitters: Pathogenic (1); Likely pathogenic (1). 1 of the submissions does not count toward it. Last evaluated 2025-05-08.

Conditions:
Intellectual disability-facial dysmorphism syndrome due to SETD5 haploinsufficiency (MRD23). Also called: Intellectual developmental disorder, autosomal dominant 23. Identifiers: Orphanet 404440, MedGen C3810406, MONDO:0014336, OMIM 615761.

Allele frequency attached by ClinVar (database versions not stated): gnomAD exomes below 0.00001.
gnomAD v4.1: 1 of 1,613,560 alleles (0.000062%); highest among the groups gnomAD compares: South Asian, 0.0011%; no homozygotes.

Submissions (3):

Laboratorio de Genetica e Diagnostico Molecular, Hospital Israelita Albert Einstein
Classification: Likely pathogenic for Intellectual disability-facial dysmorphism syndrome due to SETD5 haploinsufficiency. Last evaluated: 2025-05-08. Review status: criteria provided, single submitter. Criteria: ACMG Guidelines, 2015. Collection method: clinical testing. Allele origin: germline. Affected: yes.
Comment: ACMG classification criteria: PVS1 very strong, PM2 supporting

Baylor Genetics
Classification: Pathogenic for Intellectual disability-facial dysmorphism syndrome due to SETD5 haploinsufficiency. Last evaluated: 2019-06-13. Review status: criteria provided, single submitter. Criteria: ACMG Guidelines, 2015. Collection method: clinical testing. Allele origin: de novo. Affected: yes.
Comment: This variant was determined to be pathogenic according to ACMG Guidelines, 2015 [PMID:25741868].

Diagnostics Centre, Carl Von Ossietzky University Oldenburg
Classification: Likely pathogenic for Intellectual disability-facial dysmorphism syndrome due to SETD5 haploinsufficiency. Last evaluated: 2024-08-12. Review status: no assertion criteria provided. Collection method: clinical testing. Allele origin: germline. Affected: yes. Observed: 1 variant allele. Not counted in ClinVar's aggregate classification.
Comment: This change results in the formation of a premature stop codon at protein position 487. The variant affects an exon [13/23] present in biologically relevant transcript and is predicted to cause protein truncation/absent due to nonsense mediated decay in a gene where loss-of-function is a known mechanism of disease. This variant has been classified one entry in ClinVar as likely pathogenic (Clinvar ID: 1031046). This variant is classified as very rare in the overall population (MAF 4,0 * e-6 in gnomAD, v4.1.0). In summary, the variant is classified as likely pathogenic.

NM_001080517.3(SETD5):c.1459G>T (p.Glu487Ter)

Gene: SETD5 (SET domain containing 5; plus strand). Cytogenetic location: 3p25.3.
Variant type: single nucleotide variant.
Coding change: c.1459G>T on transcript NM_001080517.3 (MANE Select); coding-DNA position 1459, G replaced by T.
Protein change: p.Glu487Ter; replaces glutamic acid 487 with a stop codon.
Molecular consequence: nonsense.
Genome position (GRCh38, 1-based): chr3:9,445,675, G>T. VCF-style: chr3-9445675-G-T. GRCh37 (hg19) VCF-style: chr3-9487359-G-T.
Other names: c.1165G>T, p.Glu389Ter (NM_001292043.2, NM_001349451.2); short protein forms E389*, E487*.
Identifiers: ClinVar variation 1031046 (VCV001031046.4), dbSNP rs369459846, ClinGen allele CA351694031.
Genomic context (GRCh38, chr3:9,445,675, plus strand): 5'-CTCAGAGCTTGAGTACAGCTGAATATTGCCTCTATCTTAAAGGAAGTAGACAATCCAGAA[G>T]AAAAACCAGAAGAAGAGAAAGAAGAGGTTATAGATGACCAGGAGAACCTAGCTCATAGCA-3'